The following is an entry in ClinVar:

NM_182961.4(SYNE1):c.888+215T>C

Gene: SYNE1 (spectrin repeat containing nuclear envelope protein 1; minus strand). Cytogenetic location: 6q25.2.
Variant type: single nucleotide variant.
Coding change: c.888+215T>C on transcript NM_182961.4 (MANE Select); 215 bases into the intron after coding-DNA position 888, T replaced by C.
Molecular consequence: intron variant.
Genome position (GRCh38, 1-based): chr6:152,502,418, A>G on the plus strand (T>C on the coding strand, the complement: SYNE1 is on the minus strand). VCF-style: chr6-152502418-A-G. GRCh37 (hg19) VCF-style: chr6-152823553-A-G.
Other names: c.909+215T>C (NM_033071.5).
Identifiers: ClinVar variation 674407 (VCV000674407.1), dbSNP rs9322375, ClinGen allele CA150236033.

ClinVar aggregate classification (germline): Benign (1 of 4 stars; one submission).

Allele frequency attached by ClinVar (database versions not stated): gnomAD 0.06776 and 0.07320; 1000 Genomes Project 0.07129; 1000 Genomes Project 30x 0.07542; TOPMed 0.07621.
gnomAD v4.1: 10,204 of 152,232 alleles (6.7%); highest among the groups gnomAD compares: African/African-American, 23%; 1,192 homozygotes.

Submission:

GeneDx
Classification: Benign. Last evaluated: 2018-06-18. Review status: criteria provided, single submitter. Criteria: GeneDx Variant Classification (06012015). Collection method: clinical testing. Allele origin: germline. Affected: yes.
Comment: This variant is considered likely benign or benign based on one or more of the following criteria: it is a conservative change, it occurs at a poorly conserved position in the protein, it is predicted to be benign by multiple in silico algorithms, and/or has population frequency not consistent with disease.